The following is an entry in ClinVar:

ClinVar aggregate classification (germline): Uncertain significance. Review status: criteria provided, multiple submitters, no conflicts (2 of 4 stars). 3 submissions from 3 submitters: Uncertain significance (3). Last evaluated 2026-01-14.

Conditions:
Endometrial carcinoma. Also called: Endometrial carcinoma, somatic. Identifiers: MedGen C0476089, MONDO:0002447, OMIM 608089, HP:0012114.
Hereditary nonpolyposis colorectal neoplasms. Identifiers: MedGen C0009405, MeSH D003123.
Hereditary cancer-predisposing syndrome. Also called: Hereditary Cancer Syndrome; Neoplastic Syndromes, Hereditary; Tumor predisposition; Hereditary neoplastic syndrome. Identifiers: Orphanet 140162, MedGen C0027672, MeSH D009386, MONDO:0015356.

Allele frequency attached by ClinVar (database versions not stated): gnomAD exomes below 0.00001; ExAC 0.00001.
gnomAD v4.1: 2 of 1,613,762 alleles (0.00012%); highest among the groups gnomAD compares: South Asian, 0.0011%; no homozygotes.

Submissions (3):

Ambry Genetics
Classification: Uncertain significance for Hereditary cancer-predisposing syndrome. Last evaluated: 2026-01-14. Review status: criteria provided, single submitter. Criteria: Ambry Variant Classification Scheme 2023. Collection method: clinical testing. Allele origin: germline.
Comment: The p.H826D variant (also known as c.2476C>G), located in coding exon 4 of the MSH6 gene, results from a C to G substitution at nucleotide position 2476. The histidine at codon 826 is replaced by aspartic acid, an amino acid with similar properties. This amino acid position is conserved. In addition, this alteration is predicted to be deleterious by in silico analysis. Based on the available evidence, the clinical significance of this variant remains unclear.

Labcorp Genetics (formerly Invitae), Labcorp
Classification: Uncertain significance for Hereditary nonpolyposis colorectal neoplasms. Last evaluated: 2025-02-11. Review status: criteria provided, single submitter. Criteria: Invitae Variant Classification Sherloc (09022015). Collection method: clinical testing. Allele origin: germline.
Comment: This sequence change replaces histidine, which is basic and polar, with aspartic acid, which is acidic and polar, at codon 826 of the MSH6 protein (p.His826Asp). This variant is present in population databases (rs765891603, gnomAD 0.003%). This variant has not been reported in the literature in individuals affected with MSH6-related conditions. ClinVar contains an entry for this variant (Variation ID: 1040420). Invitae Evidence Modeling of protein sequence and biophysical properties (such as structural, functional, and spatial information, amino acid conservation, physicochemical variation, residue mobility, and thermodynamic stability) indicates that this missense variant is expected to disrupt MSH6 protein function with a positive predictive value of 80%. In summary, the available evidence is currently insufficient to determine the role of this variant in disease. Therefore, it has been classified as a Variant of Uncertain Significance.

Baylor Genetics
Classification: Uncertain significance for Endometrial carcinoma. Last evaluated: 2023-12-19. Review status: criteria provided, single submitter. Criteria: ACMG Guidelines, 2015. Collection method: clinical testing. Allele origin: unknown.

NM_000179.3(MSH6):c.2476C>G (p.His826Asp)

Gene: MSH6 (mutS homolog 6; plus strand). Cytogenetic location: 2p16.3.
Variant type: single nucleotide variant.
Coding change: c.2476C>G on transcript NM_000179.3 (MANE Select); coding-DNA position 2476, C replaced by G.
Protein change: p.His826Asp; replaces histidine 826 with aspartic acid.
Molecular consequence: missense variant.
Genome position (GRCh38, 1-based): chr2:47,800,459, C>G. VCF-style: chr2-47800459-C-G. GRCh37 (hg19) VCF-style: chr2-48027598-C-G.
Other names: c.2086C>G, p.His696Asp (NM_001281492.2); c.1570C>G, p.His524Asp (NM_001281493.2, NM_001281494.2); c.2476C>G (NM_000179.2); short protein forms H524D, H696D, H826D.
Identifiers: ClinVar variation 1040420 (VCV001040420.11), dbSNP rs765891603, ClinGen allele CA069099.
Genomic context (GRCh38, chr2:47,800,459, plus strand): 5'-TCCGAAGTTGTAGAGCTTCTAAAGAAGCTTCCAGATCTTGAGAGGCTACTCAGTAAAATT[C>G]ATAATGTTGGGTCTCCCCTGAAGAGTCAGAACCACCCAGACAGCAGGGCTATAATGTATG-3'
Protein context (NP_000170.1, residues 816-836): PDLERLLSKI[His826Asp]NVGSPLKSQN